The following is an entry in ClinVar:

NM_001355436.2(SPTB):c.2175G>A (p.Trp725Ter)

Gene: SPTB (spectrin beta, erythrocytic; minus strand). Cytogenetic location: 14q23.3.
Variant type: single nucleotide variant.
Coding change: c.2175G>A on transcript NM_001355436.2 (MANE Select); coding-DNA position 2175, G replaced by A.
Protein change: p.Trp725Ter; replaces tryptophan 725 with a stop codon.
Molecular consequence: nonsense.
Genome position (GRCh38, 1-based): chr14:64,793,488, C>T on the plus strand (G>A on the coding strand, the complement: SPTB is on the minus strand). VCF-style: chr14-64793488-C-T. GRCh37 (hg19) VCF-style: chr14-65260206-C-T.
Other names: c.2175G>A, p.Trp725Ter (NM_001024858.4, NM_001355437.2); short protein forms W725*.
Identifiers: ClinVar variation 2428713 (VCV002428713.4), dbSNP rs781104894, ClinGen allele CA390018766.

ClinVar aggregate classification (germline): Pathogenic (1 of 4 stars; one submission).

Submission:

ARUP Laboratories, Molecular Genetics and Genomics, ARUP Laboratories
Classification: Pathogenic. Last evaluated: 2024-07-17. Review status: criteria provided, single submitter. Criteria: ARUP Molecular Germline Variant Investigation Process 2024. Collection method: clinical testing. Allele origin: germline.
Comment: The SPTB c.2175G>A; p.Trp725Ter variant, to our knowledge, is not reported in the medical literature but is reported in ClinVar (Variation ID: 2428713). This variant is also absent from the Genome Aggregation Database (v2.1.1), indicating it is not a common polymorphism. This variant induces an early termination codon and is predicted to result in a truncated protein or mRNA subject to nonsense-mediated decay. Based on available information, this variant is considered to be pathogenic.